The following is an entry in ClinVar:

ClinVar aggregate classification (germline): Uncertain significance (1 of 4 stars; one submission).

Conditions:
Familial hypocalciuric hypercalcemia (FHH). Also called: Familial benign hypercalcemia. Identifiers: Orphanet 405, MedGen C1809471, MONDO:0018458.
Autosomal dominant hypocalcemia 1 (HYPOC1). Also called: HYPOCALCEMIA, FAMILIAL. Identifiers: MONDO:0011013, OMIM 601198, MedGen C3715128.

Submission:

Labcorp Genetics (formerly Invitae), Labcorp
Classification: Uncertain significance for Familial hypocalciuric hypercalcemia; Autosomal dominant hypocalcemia 1. Last evaluated: 2023-01-24. Review status: criteria provided, single submitter. Criteria: Invitae Variant Classification Sherloc (09022015). Collection method: clinical testing. Allele origin: germline.
Comment: In summary, the available evidence is currently insufficient to determine the role of this variant in disease. Therefore, it has been classified as a Variant of Uncertain Significance. Experimental studies have shown that this missense change affects CASR function (PMID: 18796518, 27666534). Algorithms developed to predict the effect of missense changes on protein structure and function are either unavailable or do not agree on the potential impact of this missense change (SIFT: "Tolerated"; PolyPhen-2: "Possibly Damaging"; Align-GVGD: "Class C0"). ClinVar contains an entry for this variant (Variation ID: 1517764). This missense change has been observed in individual(s) with familial hypocalciuric hypercalcemia (FHH) (PMID: 18796518, 25045523). This variant is not present in population databases (gnomAD no frequency). This sequence change replaces cysteine, which is neutral and slightly polar, with tyrosine, which is neutral and polar, at codon 568 of the CASR protein (p.Cys568Tyr).

Literature cited by the submitters: PubMed 18796518; PubMed 27666534; PubMed 25045523.

NM_000388.4(CASR):c.1703G>A (p.Cys568Tyr)

Gene: CASR (calcium sensing receptor; plus strand). Cytogenetic location: 3q21.1.
Variant type: single nucleotide variant.
Coding change: c.1703G>A on transcript NM_000388.4 (MANE Select); coding-DNA position 1703, G replaced by A.
Protein change: p.Cys568Tyr; replaces cysteine 568 with tyrosine.
Molecular consequence: missense variant.
Genome position (GRCh38, 1-based): chr3:122,282,207, G>A. VCF-style: chr3-122282207-G-A. GRCh37 (hg19) VCF-style: chr3-122001054-G-A.
Other names: c.1733G>A, p.Cys578Tyr (NM_001178065.2); short protein forms C568Y, C578Y.
Identifiers: ClinVar variation 1517764 (VCV001517764.8), dbSNP rs2107648373, ClinGen allele CA354156311.